The following is an entry in ClinVar:

GRCh37/hg19 3p26.3(chr3:857895-1428365)x3

Gene: CNTN6 (contactin 6; plus strand). Cytogenetic location: 3p26.3.
Variant type: copy number gain.
Change: copy number 3 (three copies instead of two) of chr3:857,895-1,428,365 (570.5 kb, GRCh37 coordinates, 1-based), cytogenetic band 3p26.3.
Identifiers: ClinVar variation 988914 (VCV000988914.4).

ClinVar aggregate classification (germline): Uncertain significance (1 of 4 stars; one submission).

Submission:

Illumina Laboratory Services, Illumina
Classification: Uncertain significance. Last evaluated: 2020-10-13. Review status: criteria provided, single submitter. Criteria: ICSL CNVClassificationCriteria Aug2020. Collection method: clinical testing. Allele origin: unknown.
Comment: This CNV is a 570 kb duplication of 3p26.3 on chromosome 3, (seq[GRCh37]dup(3)(3p26.3); chr3:g.857895_1428365dup), which is inherited. This CNV constitutes a partial gain of the LINC01266 and CNTN6 genes. CNTN6 encodes a member of the immunoglobulin superfamily, contactin 6, which functions as a neuronal cell adhesion molecule. The breakpoints of this CNV lie within an intron of the ncRNA-encoding LINC01266 and exon 20 of CNTN6, resulting in duplication of an upstream area and exons 1-20 of the CNTN6 gene. Deletions and duplications of the CNTN6 gene have been associated with a range of neurodevelopmental phenotypes, with developmental delay, intellectual disability, seizures, autism or other neuropsychiatric or behavioral abnormalities, and dysmorphic facial features most commonly reported (Firth et al. 2009; Kashevarova et al. 2014; Hu et al. 2015; Mercati et al 2017; Tassano et al. 2018; Repnikova et al. 2019). Family studies have indicated variable expressivity and reduced penetrance for these phenotypes, with many instances of the CNV being inherited from an apparently healthy or more mildly affected parent. In addition, deletions and duplications affecting the CNTN6 gene are also found in control populations (Cooper et al. 2011; Coe et al. 2014; MacDonald et al. 2014). Based on the collective evidence, this CNV is classified as a variant of uncertain significance.

Literature cited by the submitters: PubMed 19344873; PubMed 21841781; PubMed 24174537; PubMed 25217958; PubMed 25606055; PubMed 26257835; PubMed 27166760; PubMed 30508811; PubMed 30836150.